The following is an entry in ClinVar:

ClinVar aggregate classification (germline): Uncertain significance. Review status: criteria provided, multiple submitters, no conflicts (2 of 4 stars). 3 submissions from 3 submitters: Uncertain significance (3). Last evaluated 2025-09-05.

Conditions:
Inborn genetic diseases. Identifiers: MedGen C0950123, MeSH D030342.

Submissions (3):

Labcorp Genetics (formerly Invitae), Labcorp
Classification: Uncertain significance. Last evaluated: 2025-09-05. Review status: criteria provided, single submitter. Criteria: Invitae Variant Classification Sherloc (09022015). Collection method: clinical testing. Allele origin: germline.
Comment: This sequence change replaces arginine, which is basic and polar, with cysteine, which is neutral and slightly polar, at codon 145 of the EIF2B5 protein (p.Arg145Cys). This variant is present in population databases (rs770201391, gnomAD 0.007%). This variant has not been reported in the literature in individuals affected with EIF2B5-related conditions. Invitae Evidence Modeling of protein sequence and biophysical properties (such as structural, functional, and spatial information, amino acid conservation, physicochemical variation, residue mobility, and thermodynamic stability) indicates that this missense variant is expected to disrupt EIF2B5 protein function with a positive predictive value of 80%. In summary, the available evidence is currently insufficient to determine the role of this variant in disease. Therefore, it has been classified as a Variant of Uncertain Significance.

Ambry Genetics
Classification: Uncertain significance for Inborn genetic diseases. Last evaluated: 2025-06-18. Review status: criteria provided, single submitter. Criteria: Ambry Variant Classification Scheme 2023. Collection method: clinical testing. Allele origin: germline.

Blueprint Genetics
Classification: Uncertain significance. Last evaluated: 2021-08-24. Review status: criteria provided, single submitter. Criteria: ACMG Guidelines, 2015. Collection method: clinical testing. Allele origin: germline.

NM_003907.3(EIF2B5):c.433C>T (p.Arg145Cys)

Gene: EIF2B5 (eukaryotic translation initiation factor 2B subunit epsilon; plus strand). Cytogenetic location: 3q27.1.
Variant type: single nucleotide variant.
Coding change: c.433C>T on transcript NM_003907.3 (MANE Select); coding-DNA position 433, C replaced by T.
Protein change: p.Arg145Cys; replaces arginine 145 with cysteine.
Molecular consequence: missense variant.
Genome position (GRCh38, 1-based): chr3:184,137,732, C>T. VCF-style: chr3-184137732-C-T. GRCh37 (hg19) VCF-style: chr3-183855520-C-T.
Other names: short protein forms R145C.
Identifiers: ClinVar variation 4247715 (VCV004247715.3).